The following is an entry in ClinVar:

NM_006282.5(STK4):c.1077C>A (p.Asp359Glu)

Gene: STK4 (serine/threonine kinase 4; plus strand). Cytogenetic location: 20q13.12.
Variant type: single nucleotide variant.
Coding change: c.1077C>A on transcript NM_006282.5 (MANE Select); coding-DNA position 1077, C replaced by A.
Protein change: p.Asp359Glu; replaces aspartic acid 359 with glutamic acid.
Molecular consequence: missense variant.
Genome position (GRCh38, 1-based): chr20:45,001,283, C>A. VCF-style: chr20-45001283-C-A. GRCh37 (hg19) VCF-style: chr20-43629924-C-A.
Other names: c.1077C>A, p.Asp359Glu (NM_001352385.2); short protein forms D359E.
Identifiers: ClinVar variation 4755032 (VCV004755032.1).
Genomic context (GRCh38, chr20:45,001,283, plus strand): 5'-CACTGTCCGAGTAGCCAGCACCATGACTGATGGAGCCAATACTATGATTGAGCACGATGA[C>A]ACGTTGCCATCACAACTGGGCACCATGGTGATCAATGCAGAGGATGAGGAAGAGGAAGGA-3'
Protein context (NP_006273.1, residues 349-369): DGANTMIEHD[Asp359Glu]TLPSQLGTMV

ClinVar aggregate classification (germline): Uncertain significance (1 of 4 stars; one submission).

Conditions:
Combined immunodeficiency due to STK4 deficiency (IMD110). Also called: STK4 DEFICIENCY; MST1 DEFICIENCY; T-cell immunodeficiency, recurrent infections, and autoimmunity with or without cardiac malformations. Identifiers: Orphanet 314689, MedGen C3553943, MONDO:0013934, OMIM 614868.

gnomAD v4.1: 3 of 1,614,028 alleles (0.00019%); highest among the groups gnomAD compares: Admixed American, 0.0017%; no homozygotes.

Submission:

Labcorp Genetics (formerly Invitae), Labcorp
Classification: Uncertain significance for Combined immunodeficiency due to STK4 deficiency. Last evaluated: 2025-08-01. Review status: criteria provided, single submitter. Criteria: Invitae Variant Classification Sherloc (09022015). Collection method: clinical testing. Allele origin: germline.
Comment: This sequence change replaces aspartic acid, which is acidic and polar, with glutamic acid, which is acidic and polar, at codon 359 of the STK4 protein (p.Asp359Glu). This variant is present in population databases (no rsID available, gnomAD 0.003%). This variant has not been reported in the literature in individuals affected with STK4-related conditions. Invitae Evidence Modeling of protein sequence and biophysical properties (such as structural, functional, and spatial information, amino acid conservation, physicochemical variation, residue mobility, and thermodynamic stability) indicates that this missense variant is not expected to disrupt STK4 protein function with a negative predictive value of 95%. In summary, the available evidence is currently insufficient to determine the role of this variant in disease. Therefore, it has been classified as a Variant of Uncertain Significance.